The following is an entry in ClinVar:

NM_000165.5(GJA1):c.717G>C (p.Arg239=)

Gene: GJA1 (gap junction protein alpha 1; plus strand). Cytogenetic location: 6q22.31.
Variant type: single nucleotide variant.
Coding change: c.717G>C on transcript NM_000165.5 (MANE Select); coding-DNA position 717, G replaced by C.
Protein change: p.Arg239=; no amino-acid change (arginine 239 retained).
Molecular consequence: synonymous variant.
Genome position (GRCh38, 1-based): chr6:121,447,564, G>C. VCF-style: chr6-121447564-G-C. GRCh37 (hg19) VCF-style: chr6-121768710-G-C.
Identifiers: ClinVar variation 907523 (VCV000907523.13), dbSNP rs57946868, ClinGen allele CA3981728.
Genomic context (GRCh38, chr6:121,447,564, plus strand): 5'-GTCCCTGGCCTTGAATATCATTGAACTCTTCTATGTTTTCTTCAAGGGCGTTAAGGATCG[G>C]GTTAAGGGAAAGAGCGACCCTTACCATGCGACCAGTGGTGCGCTGAGCCCTGCCAAAGAC-3'
Protein context (NP_000156.1, residues 229-249): FYVFFKGVKD[Arg239=]VKGKSDPYHA

ClinVar aggregate classification (germline): Conflicting classifications of pathogenicity. Review status: criteria provided, conflicting classifications (1 of 4 stars). 5 submissions from 3 submitters: Uncertain significance (1); Benign (2); Likely benign (2). Last evaluated 2025-08-18.

Conditions:
Hypoplastic left heart syndrome 1 (HLHS1). Identifiers: Orphanet 2248, MedGen C4551854, MONDO:0009433, OMIM 241550.
Oculodentodigital dysplasia, autosomal recessive. Also called: OCULODENTOOSSEOUS DYSPLASIA, AUTOSOMAL RECESSIVE; ODDD, AUTOSOMAL RECESSIVE; ODOD, AUTOSOMAL RECESSIVE. Identifiers: Orphanet 2710, MedGen C2749477, MONDO:0009768, OMIM 257850.
Oculodentodigital dysplasia (ODDD). Also called: Oculodentodigital syndrome; ODD SYNDROME. Identifiers: Orphanet 2710, MedGen C0812437, MONDO:0008111, OMIM 164200.
Syndactyly type 3 (SDTY3). Also called: RING AND LITTLE FINGER SYNDACTYLY; SYNDACTYLY OF FINGERS IV AND V. Identifiers: Orphanet 93404, MedGen C1861366, MONDO:0008514, OMIM 186100.

Allele frequency attached by ClinVar (database versions not stated): TOPMed 0.00014.
gnomAD v4.1: 230 of 1,613,784 alleles (0.014%); highest among the groups gnomAD compares: Non-Finnish European, 0.018%; no homozygotes.

Submissions (5):

Labcorp Genetics (formerly Invitae), Labcorp
Classification: Likely benign for Oculodentodigital dysplasia, autosomal recessive. Last evaluated: 2025-08-18. Review status: criteria provided, single submitter. Criteria: Invitae Variant Classification Sherloc (09022015). Collection method: clinical testing. Allele origin: germline.

GeneDx
Classification: Likely benign. Last evaluated: 2021-04-19. Review status: criteria provided, single submitter. Criteria: GeneDx Variant Classification Process June 2021. Collection method: clinical testing. Allele origin: germline. Affected: yes.

Illumina Laboratory Services, Illumina
Classification: Benign for Syndactyly type 3. Last evaluated: 2017-04-27. Review status: criteria provided, single submitter. Criteria: ICSL Variant Classification Criteria 13 December 2019. Collection method: clinical testing. Allele origin: germline.
Comment: This variant was observed as part of a predisposition screen in an ostensibly healthy population. A literature search was performed for the gene, cDNA change, and amino acid change (where applicable). No publications were found based on this search. Allele frequency data from public databases was too high to be consistent with this variant causing disease. Therefore, this variant is classified as benign.

Illumina Laboratory Services, Illumina
Classification: Benign for Oculodentodigital dysplasia. Last evaluated: 2017-04-27. Review status: criteria provided, single submitter. Criteria: ICSL Variant Classification Criteria 13 December 2019. Collection method: clinical testing. Allele origin: germline.
Comment: the same text as in the submission from Illumina Laboratory Services, Illumina above.

Illumina Laboratory Services, Illumina
Classification: Uncertain significance for Hypoplastic left heart syndrome 1. Last evaluated: 2017-04-27. Review status: criteria provided, single submitter. Criteria: ICSL Variant Classification Criteria 13 December 2019. Collection method: clinical testing. Allele origin: germline.